The following is an entry in ClinVar:

ClinVar aggregate classification (germline): Pathogenic/Likely pathogenic. Review status: criteria provided, multiple submitters, no conflicts (2 of 4 stars). 3 submissions from 3 submitters: Pathogenic (1); Likely pathogenic (2). Last evaluated 2023-09-29.

Conditions:
Charlevoix-Saguenay spastic ataxia (SACS). Also called: SPASTIC ATAXIA 6, AUTOSOMAL RECESSIVE; AUTOSOMAL RECESSIVE SPASTIC ATAXIA OF CHARLEVOIX-SAGUENAY; Spastic ataxia of Charlevoix-Saguenay. Identifiers: Orphanet 98, MedGen C1849140, MONDO:0010041, OMIM 270550.
Spastic paraplegia. Identifiers: MedGen C0037772, HP:0001258.

Submissions (3):

Labcorp Genetics (formerly Invitae), Labcorp
Classification: Pathogenic for Spastic paraplegia. Last evaluated: 2023-09-29. Review status: criteria provided, single submitter. Criteria: Invitae Variant Classification Sherloc (09022015). Collection method: clinical testing. Allele origin: germline.
Comment: For these reasons, this variant has been classified as Pathogenic. This variant disrupts a region of the SACS protein in which other variant(s) (p.Tyr4538*) have been determined to be pathogenic (Invitae). This suggests that this is a clinically significant region of the protein, and that variants that disrupt it are likely to be disease-causing. This variant has not been reported in the literature in individuals affected with SACS-related conditions. This variant is not present in population databases (gnomAD no frequency). This sequence change creates a premature translational stop signal (p.Cys3073*) in the SACS gene. While this is not anticipated to result in nonsense mediated decay, it is expected to disrupt the last 1507 amino acid(s) of the SACS protein.

3billion
Classification: Likely pathogenic for Charlevoix-Saguenay spastic ataxia. Last evaluated: 2023-02-23. Review status: criteria provided, single submitter. Criteria: ACMG Guidelines, 2015. Collection method: clinical testing. Allele origin: unknown. Affected: yes.
Comment: The variant is not observed in the gnomAD v2.1.1 dataset. This variant was predicted to result in a loss or disruption of normal protein function through protein truncation. The predicted truncated protein may be shortened by more than 10%. Therefore, this variant is classified as Likely pathogenic according to the recommendation of ACMG/AMP guideline.

Baylor Genetics
Classification: Likely pathogenic for Charlevoix-Saguenay spastic ataxia. Last evaluated: 2022-10-12. Review status: criteria provided, single submitter. Criteria: ACMG Guidelines, 2015. Collection method: clinical testing. Allele origin: unknown.

NM_014363.6(SACS):c.9219_9220del (p.Cys3073_Asp3074delinsTer)

Gene: SACS (sacsin molecular chaperone; minus strand). Cytogenetic location: 13q12.12.
Variant type: Microsatellite.
Coding change: c.9219_9220del on transcript NM_014363.6 (MANE Select); coding-DNA positions 9219 to 9220, 2 bases deleted (TG; older notation c.9219_9220delTG).
Protein change: p.Cys3073_Asp3074delinsTer.
Molecular consequence: nonsense.
Genome position (GRCh38, 1-based): chr13:23,334,656-23,334,657, CA deleted on the plus strand (TG on the coding strand, the reverse complement: SACS is on the minus strand); deleting any 2 consecutive bases within chr13:23,334,656-23,334,659 gives the same sequence; the c. name uses the placement nearest the transcript's 3' end. VCF-style (leftmost placement, unchanged base first): chr13-23334655-TCA-T. GRCh37 (hg19) VCF-style: chr13-23908794-TCA-T.
Other names: c.8778_8779del, p.Cys2926_Asp2927delinsTer (NM_001278055.2).
Identifiers: ClinVar variation 2444089 (VCV002444089.5), dbSNP rs1868408180, ClinGen allele CA2078621730.